The following is an entry in ClinVar:

NM_000282.4(PCCA):c.1007A>G (p.Glu336Gly)

Gene: PCCA (propionyl-CoA carboxylase subunit alpha; plus strand). Cytogenetic location: 13q32.3.
Variant type: single nucleotide variant.
Coding change: c.1007A>G on transcript NM_000282.4 (MANE Select); coding-DNA position 1007, A replaced by G.
Protein change: p.Glu336Gly; replaces glutamic acid 336 with glycine.
Molecular consequence: missense variant. On other transcripts: non-coding transcript variant (5).
Genome position (GRCh38, 1-based): chr13:100,273,288, A>G. VCF-style: chr13-100273288-A-G. GRCh37 (hg19) VCF-style: chr13-100925542-A-G.
Other names: c.929A>G, p.Glu310Gly (NM_001127692.3, NM_001352607.2, NM_001352608.2); c.1007A>G, p.Glu336Gly (NM_001178004.2, NM_001352605.2, NM_001352606.2 and 1 more transcripts); c.62A>G, p.Glu21Gly (NM_001352610.2, NM_001352611.2, NM_001352612.2); c.1007A>G (NM_000282.3); short protein forms E310G, E336G, E21G.
Identifiers: ClinVar variation 1035367 (VCV001035367.6), dbSNP rs2063428007, ClinGen allele CA388694860.

ClinVar aggregate classification (germline): Uncertain significance. Review status: criteria provided, multiple submitters, no conflicts (2 of 4 stars). 2 submissions from 2 submitters: Uncertain significance (2). Last evaluated 2022-10-12.

Conditions:
Propionic acidemia (PROP). Also called: GLYCINEMIA, KETOTIC; HYPERGLYCINEMIA WITH KETOACIDOSIS AND LEUKOPENIA; KETOTIC HYPERGLYCINEMIA. Identifiers: Orphanet 35, MedGen C0268579, MONDO:0011628, OMIM 606054, HP:0003571.
PCCA-related disorder. Also called: PCCA-related condition.

Submissions (2):

PreventionGenetics, part of Exact Sciences
Classification: Uncertain significance for PCCA-related condition. Last evaluated: 2022-10-12. Review status: criteria provided, single submitter. Criteria: ACMG Guidelines, 2015. Collection method: clinical testing. Allele origin: germline.
Comment: The PCCA c.1007A>G variant is predicted to result in the amino acid substitution p.Glu336Gly. To our knowledge, this variant has not been reported in the literature or in a large population database, indicating this variant is rare. At this time, the clinical significance of this variant is uncertain due to the absence of conclusive functional and genetic evidence.

Labcorp Genetics (formerly Invitae), Labcorp
Classification: Uncertain significance for Propionic acidemia. Last evaluated: 2021-08-26. Review status: criteria provided, single submitter. Criteria: Invitae Variant Classification Sherloc (09022015). Collection method: clinical testing. Allele origin: germline.
Comment: This sequence change replaces glutamic acid with glycine at codon 336 of the PCCA protein (p.Glu336Gly). The glutamic acid residue is highly conserved and there is a moderate physicochemical difference between glutamic acid and glycine. This variant is not present in population databases (ExAC no frequency). This variant has not been reported in the literature in individuals affected with PCCA-related conditions. Algorithms developed to predict the effect of missense changes on protein structure and function are either unavailable or do not agree on the potential impact of this missense change (SIFT: "Deleterious"; PolyPhen-2: "Probably Damaging"; Align-GVGD: "Class C0"). In summary, the available evidence is currently insufficient to determine the role of this variant in disease. Therefore, it has been classified as a Variant of Uncertain Significance.